The following is an entry in ClinVar:

NM_080425.4(GNAS):c.1853G>A (p.Gly618Asp)

Gene: GNAS (GNAS complex locus; plus strand). Cytogenetic location: 20q13.32.
Variant type: single nucleotide variant.
Coding change: c.1853G>A on transcript NM_080425.4 (MANE Plus Clinical); coding-DNA position 1853, G replaced by A.
Protein change: p.Gly618Asp; replaces glycine 618 with aspartic acid.
Molecular consequence: missense variant. On other transcripts: intron variant (3).
Genome position (GRCh38, 1-based): chr20:58,855,118, G>A. VCF-style: chr20-58855118-G-A. GRCh37 (hg19) VCF-style: chr20-57430173-G-A.
Other names: c.1666G>A, p.Ala556Thr (NM_001309883.1, NM_001077490.3); c.1853G>A, p.Gly618Asp (NM_001410913.1); c.*42+14232G>A (NM_016592.5); c.43+14232G>A (NM_001410912.1); c.-39+13243G>A (NM_001309861.2); short protein forms A556T, G618D.
Identifiers: ClinVar variation 4996636 (VCV004996636.1).

ClinVar aggregate classification (germline): Uncertain significance (1 of 4 stars; one submission).

Conditions:
GNAS-related disorder. Identifiers: MedGen CN380105.

gnomAD v4.1: 6 of 1,613,708 alleles (0.00037%); highest among the groups gnomAD compares: Non-Finnish European, 0.00042%; no homozygotes.

Submission:

PreventionGenetics, part of Exact Sciences
Classification: Uncertain significance for GNAS-related condition. Last evaluated: 2026-03-03. Review status: criteria provided, single submitter. Criteria: ACMG Guidelines, 2015. Collection method: clinical testing. Allele origin: germline.
Comment: The GNAS c.1853G>A variant is predicted to result in the amino acid substitution p.Gly618Asp. To our knowledge, this variant has not been reported in the literature. This variant is reported in 0.0027% of alleles in individuals of European (Non-Finnish) descent in gnomAD. At this time, the clinical significance of this variant is uncertain due to the absence of conclusive functional and genetic evidence.